The following is an entry in ClinVar:

ClinVar aggregate classification (germline): Uncertain significance (1 of 4 stars; one submission).

Submission:

Ambry Genetics
Classification: Uncertain significance. Last evaluated: 2021-10-09. Review status: criteria provided, single submitter. Criteria: Ambry Variant Classification Scheme 2023. Collection method: clinical testing. Allele origin: germline.
Comment: The p.K2822R variant (also known as c.8465A>G), located in coding exon 62 of the PRKDC gene, results from an A to G substitution at nucleotide position 8465. The lysine at codon 2822 is replaced by arginine, an amino acid with highly similar properties. This amino acid position is conserved. Since supporting evidence is limited at this time, the clinical significance of this alteration remains unclear.

NM_006904.7(PRKDC):c.8465A>G (p.Lys2822Arg)

Gene: PRKDC (protein kinase, DNA-activated, catalytic subunit; minus strand). Cytogenetic location: 8q11.21.
Variant type: single nucleotide variant.
Coding change: c.8465A>G on transcript NM_006904.7 (MANE Select); coding-DNA position 8465, A replaced by G.
Protein change: p.Lys2822Arg; replaces lysine 2822 with arginine.
Molecular consequence: missense variant.
Genome position (GRCh38, 1-based): chr8:47,828,280, T>C on the plus strand (A>G on the coding strand, the complement: PRKDC is on the minus strand). VCF-style: chr8-47828280-T-C. GRCh37 (hg19) VCF-style: chr8-48740841-T-C.
Other names: c.8465A>G, p.Lys2822Arg (NM_001081640.2); short protein forms K2822R.
Identifiers: ClinVar variation 1763476 (VCV001763476.2), dbSNP rs2551866363, ClinGen allele CA371144534.